The following is an entry in ClinVar:

NM_006767.4(LZTR1):c.1964T>G (p.Met655Arg)

Gene: LZTR1 (leucine zipper like post translational regulator 1; plus strand). Cytogenetic location: 22q11.21.
Variant type: single nucleotide variant.
Coding change: c.1964T>G on transcript NM_006767.4 (MANE Select); coding-DNA position 1964, T replaced by G.
Protein change: p.Met655Arg; replaces methionine 655 with arginine.
Molecular consequence: missense variant.
Genome position (GRCh38, 1-based): chr22:20,995,767, T>G. VCF-style: chr22-20995767-T-G. GRCh37 (hg19) VCF-style: chr22-21350056-T-G.
Other names: short protein forms M655R.
Identifiers: ClinVar variation 1046294 (VCV001046294.11), dbSNP rs199696566, ClinGen allele CA410778968.
Genomic context (GRCh38, chr22:20,995,767, plus strand): 5'-TCCCAGGCTGTACCTGCTCAGGGACCCTCCTACCCCCAGGCACATCTCTGATCCAGGACA[T>G]GAAGGCATACCTGGAGGGAGCGGGCGCGGAATTCTGTGACATCACTCTGTTGCTTGACGG-3'
Protein context (NP_006758.2, residues 645-665): VDIGTSLIQD[Met655Arg]KAYLEGAGAE

ClinVar aggregate classification (germline): Uncertain significance. Review status: criteria provided, multiple submitters, no conflicts (2 of 4 stars). 2 submissions from 2 submitters: Uncertain significance (2). Last evaluated 2021-06-28.

Conditions:
Hereditary cancer-predisposing syndrome. Also called: Hereditary Cancer Syndrome; Tumor predisposition; Hereditary neoplastic syndrome; Neoplastic Syndromes, Hereditary. Identifiers: Orphanet 140162, MedGen C0027672, MeSH D009386, MONDO:0015356.
Cardiovascular phenotype. Identifiers: MedGen CN230736.

Submissions (2):

Labcorp Genetics (formerly Invitae), Labcorp
Classification: Uncertain significance. Last evaluated: 2021-06-28. Review status: criteria provided, single submitter. Criteria: Invitae Variant Classification Sherloc (09022015). Collection method: clinical testing. Allele origin: germline.
Comment: Algorithms developed to predict the effect of sequence changes on RNA splicing suggest that this variant may create or strengthen a splice site, but this prediction has not been confirmed by published transcriptional studies. In summary, the available evidence is currently insufficient to determine the role of this variant in disease. Therefore, it has been classified as a Variant of Uncertain Significance. Algorithms developed to predict the effect of missense changes on protein structure and function (SIFT, PolyPhen-2, Align-GVGD) all suggest that this variant is likely to be disruptive, but these predictions have not been confirmed by published functional studies and their clinical significance is uncertain. This sequence change replaces methionine with arginine at codon 655 of the LZTR1 protein (p.Met655Arg). The methionine residue is highly conserved and there is a moderate physicochemical difference between methionine and arginine. This variant is not present in population databases (ExAC no frequency). This variant has not been reported in the literature in individuals with LZTR1-related conditions.

Ambry Genetics
Classification: Uncertain significance for Cardiovascular phenotype; Hereditary cancer-predisposing syndrome. Last evaluated: 2021-02-08. Review status: criteria provided, single submitter. Criteria: Ambry Variant Classification Scheme 2023. Collection method: clinical testing. Allele origin: germline.
Comment: The p.M655R variant (also known as c.1964T>G), located in coding exon 17 of the LZTR1 gene, results from a T to G substitution at nucleotide position 1964. The methionine at codon 655 is replaced by arginine, an amino acid with similar properties. This amino acid position is highly conserved in available vertebrate species. In addition, this alteration is predicted to be deleterious by in silico analysis. Since supporting evidence is limited at this time, the clinical significance of this alteration remains unclear.